The following is an entry in ClinVar:

ClinVar aggregate classification (germline): Pathogenic/Likely pathogenic. Review status: criteria provided, multiple submitters, no conflicts (2 of 4 stars). 4 submissions from 4 submitters: Pathogenic (2); Likely pathogenic (2). Last evaluated 2023-10-11.

Conditions:
Congenital muscular hypertrophy-cerebral syndrome (CDLS2). Also called: SMC1A-Related Cornelia de Lange Syndrome; Cornelia de Lange syndrome 2. Identifiers: Orphanet 199, MedGen C1802395, MONDO:0010370, OMIM 300590.
Developmental and epileptic encephalopathy, 85, with or without midline brain defects. Also called: EPILEPTIC ENCEPHALOPATHY, EARLY INFANTILE, 85, WITH OR WITHOUT MIDLINE BRAIN DEFECTS. Identifiers: MedGen C5393312, MONDO:0026771, OMIM 301044.

Submissions (4):

Labcorp Genetics (formerly Invitae), Labcorp
Classification: Pathogenic for Congenital muscular hypertrophy-cerebral syndrome. Last evaluated: 2023-10-11. Review status: criteria provided, single submitter. Criteria: Invitae Variant Classification Sherloc (09022015). Collection method: clinical testing. Allele origin: germline.
Comment: This sequence change replaces arginine, which is basic and polar, with glutamine, which is neutral and polar, at codon 1049 of the SMC1A protein (p.Arg1049Gln). This variant is not present in population databases (gnomAD no frequency). This missense change has been observed in individual(s) with Cornelia de Lange syndrome (PMID: 19701948). In at least one individual the variant was observed to be de novo. ClinVar contains an entry for this variant (Variation ID: 159954). Advanced modeling of protein sequence and biophysical properties (such as structural, functional, and spatial information, amino acid conservation, physicochemical variation, residue mobility, and thermodynamic stability) has been performed at Invitae for this missense variant, however the output from this modeling did not meet the statistical confidence thresholds required to predict the impact of this variant on SMC1A protein function. For these reasons, this variant has been classified as Pathogenic.

GeneDx
Classification: Pathogenic. Last evaluated: 2016-12-20. Review status: criteria provided, single submitter. Criteria: GeneDx Variant Classification (06012015). Collection method: clinical testing. Allele origin: germline. Affected: yes.
Comment: The R1049Q variant in the SMC1A gene has been reported previously as a de novo change in an individual with Cornelia de Lange syndrome (Liu et al., 2009). The R1049Q variant was not observed in approximately 6500 individuals of European and African American ancestry in the NHLBI Exome Sequencing Project, indicating it is not a common benign variant in these populations. The R1049Q variant is a semi-conservative amino acid substitution, which may impact secondary protein structure as these residues differ in some properties. This substitution occurs at a position that is conserved across species. The R1049Q variant maps to the coiled-coil domain, which may interfere with heterodimer formation and disrupt the interaction with other cohesin subunits (Mannini et al., 2010). We interpret R1049Q as a pathogenic variant.

Genetic Services Laboratory, University of Chicago
Classification: Likely pathogenic for Cornelia de Lange syndrome 2. Last evaluated: 2013-08-30. Review status: criteria provided, single submitter. Criteria: ACMG Guidelines, 2007. Collection method: clinical testing. Allele origin: germline. Inheritance: X-linked inheritance. Affected: yes.

Molecular Genetics Lab, CHRU Brest
Classification: Likely pathogenic for Developmental and epileptic encephalopathy, 85, with or without midline brain defects; Congenital muscular hypertrophy-cerebral syndrome. Review status: criteria provided, single submitter. Criteria: ACMG Guidelines, 2015. Collection method: clinical testing. Allele origin: unknown. Affected: yes.

Literature cited by the submitters: PubMed 19701948 (cited by Labcorp Genetics (formerly Invitae), Labcorp).

NM_006306.4(SMC1A):c.3146G>A (p.Arg1049Gln)

Gene: SMC1A (structural maintenance of chromosomes 1A; minus strand). Cytogenetic location: Xp11.22.
Variant type: single nucleotide variant.
Coding change: c.3146G>A on transcript NM_006306.4 (MANE Select); coding-DNA position 3146, G replaced by A.
Protein change: p.Arg1049Gln; replaces arginine 1049 with glutamine.
Molecular consequence: missense variant.
Genome position (GRCh38, 1-based): chrX:53,382,645, C>T on the plus strand (G>A on the coding strand, the complement: SMC1A is on the minus strand). VCF-style: chrX-53382645-C-T. GRCh37 (hg19) VCF-style: chrX-53409566-C-T.
Other names: c.3080G>A, p.Arg1027Gln (NM_001281463.1); short protein forms R1049Q, R1027Q.
Identifiers: ClinVar variation 159954 (VCV000159954.16), dbSNP rs587784416, ClinGen allele CA272565.